The following is an entry in ClinVar:

ClinVar aggregate classification (germline): Uncertain significance (1 of 4 stars; one submission).

Conditions:
CEP290-related disorder. Also called: CEP290-related condition; CEP290-related disorders. Identifiers: MedGen CN239314.

gnomAD v4.1: 2 of 1,484,174 alleles (0.00013%); highest among the groups gnomAD compares: African/African-American, 0.0029%; no homozygotes.

Submission:

PreventionGenetics, part of Exact Sciences
Classification: Uncertain significance for CEP290-related condition. Last evaluated: 2025-10-21. Review status: criteria provided, single submitter. Criteria: ACMG Guidelines, 2015. Collection method: clinical testing. Allele origin: germline.
Comment: The CEP290 c.757A>C variant is predicted to result in the amino acid substitution p.Met253Leu. To our knowledge, this variant has not been reported in the literature or in a large population database (gnomAD), indicating this variant is rare. At this time, the clinical significance of this variant is uncertain due to the absence of conclusive functional and genetic evidence.

NM_025114.4(CEP290):c.757A>C (p.Met253Leu)

Gene: CEP290 (centrosomal protein 290; minus strand). Cytogenetic location: 12q21.32.
Variant type: single nucleotide variant.
Coding change: c.757A>C on transcript NM_025114.4 (MANE Select); coding-DNA position 757, A replaced by C.
Protein change: p.Met253Leu; replaces methionine 253 with leucine.
Molecular consequence: missense variant.
Genome position (GRCh38, 1-based): chr12:88,129,789, T>G on the plus strand (A>C on the coding strand, the complement: CEP290 is on the minus strand). VCF-style: chr12-88129789-T-G. GRCh37 (hg19) VCF-style: chr12-88523566-T-G.
Other names: short protein forms M253L.
Identifiers: ClinVar variation 4995257 (VCV004995257.1).